The following is an entry in ClinVar:

ClinVar aggregate classification (germline): Pathogenic (1 of 4 stars; one submission).

Submission:

GeneDx
Classification: Pathogenic. Last evaluated: 2025-04-20. Review status: criteria provided, single submitter. Criteria: GeneDx Variant Classification Process June 2021. Collection method: clinical testing. Allele origin: germline. Affected: yes.
Comment: Not observed at significant frequency in large population cohorts (gnomAD); In silico analysis supports that this missense variant has a deleterious effect on protein structure/function; Has not been previously published as pathogenic or benign to our knowledge

NM_024665.7(TBL1XR1):c.965T>C (p.Phe322Ser)

Genes: TBL1XR1 (TBL1X/Y related 1; minus strand), TBL1XR1-AS1 (TBL1XR1 antisense RNA 1; plus strand), LOC126806878 (CDK7 strongly-dependent group 2 enhancer GRCh37_chr3:176755168-176756367; plus strand). Cytogenetic location: 3q26.32.
Variant type: single nucleotide variant.
Coding change: c.965T>C on transcript NM_024665.7 (MANE Select); coding-DNA position 965, T replaced by C.
Protein change: p.Phe322Ser; replaces phenylalanine 322 with serine.
Molecular consequence: missense variant. On other transcripts: non-coding transcript variant (1).
Genome position (GRCh38, 1-based): chr3:177,038,395, A>G on the plus strand (T>C on the coding strand, the complement: TBL1XR1 is on the minus strand). VCF-style: chr3-177038395-A-G. GRCh37 (hg19) VCF-style: chr3-176756183-A-G.
Other names: c.965T>C, p.Phe322Ser (NM_001321193.3, NM_001321194.3, NM_001374327.1 and 2 more transcripts); c.704T>C, p.Phe235Ser (NM_001321195.3, NM_001374330.1); short protein forms F235S, F322S.
Identifiers: ClinVar variation 4282436 (VCV004282436.1).